The following is an entry in ClinVar:

ClinVar aggregate classification (germline): Uncertain significance. Review status: criteria provided, multiple submitters, no conflicts (2 of 4 stars). 2 submissions from 2 submitters: Uncertain significance (2). Last evaluated 2022-02-21.

Conditions:
Hereditary spastic paraplegia 54. Also called: Spastic paraplegia 54, autosomal recessive. Identifiers: Orphanet 320380, MedGen C3539495, MONDO:0014018, OMIM 615033.

Allele frequency attached by ClinVar (database versions not stated): TOPMed below 0.00001; gnomAD exomes 0.00001.
gnomAD v4.1: 5 of 1,613,822 alleles (0.00031%); highest among the groups gnomAD compares: Non-Finnish European, 0.00042%; no homozygotes.

Submissions (2):

Labcorp Genetics (formerly Invitae), Labcorp
Classification: Uncertain significance for Hereditary spastic paraplegia 54. Last evaluated: 2022-02-21. Review status: criteria provided, single submitter. Criteria: Invitae Variant Classification Sherloc (09022015). Collection method: clinical testing. Allele origin: germline.
Comment: In summary, the available evidence is currently insufficient to determine the role of this variant in disease. Therefore, it has been classified as a Variant of Uncertain Significance. Algorithms developed to predict the effect of sequence changes on RNA splicing suggest that this variant may create or strengthen a splice site. Algorithms developed to predict the effect of missense changes on protein structure and function (SIFT, PolyPhen-2, Align-GVGD) all suggest that this variant is likely to be tolerated. This variant has not been reported in the literature in individuals affected with DDHD2-related conditions. This variant is not present in population databases (gnomAD no frequency). This sequence change replaces glycine, which is neutral and non-polar, with aspartic acid, which is acidic and polar, at codon 344 of the DDHD2 protein (p.Gly344Asp).

Revvity Omics, Revvity
Classification: Uncertain significance for Hereditary spastic paraplegia 54. Last evaluated: 2020-11-25. Review status: criteria provided, single submitter. Criteria: ACMG Guidelines, 2015. Collection method: clinical testing. Allele origin: germline.

NM_015214.3(DDHD2):c.1031G>A (p.Gly344Asp)

Gene: DDHD2 (DDHD domain containing 2; plus strand). Cytogenetic location: 8p11.23.
Variant type: single nucleotide variant.
Coding change: c.1031G>A on transcript NM_015214.3 (MANE Select); coding-DNA position 1031, G replaced by A.
Protein change: p.Gly344Asp; replaces glycine 344 with aspartic acid.
Molecular consequence: missense variant. On other transcripts: non-coding transcript variant (2).
Genome position (GRCh38, 1-based): chr8:38,245,924, G>A. VCF-style: chr8-38245924-G-A. GRCh37 (hg19) VCF-style: chr8-38103442-G-A.
Other names: c.1031G>A, p.Gly344Asp (NM_001164232.2, NM_001362911.2, NM_001362912.2 and 1 more transcripts); c.941G>A, p.Gly314Asp (NM_001362913.2); c.1031G>A (NM_015214.2); short protein forms G314D, G344D.
Identifiers: ClinVar variation 1972264 (VCV001972264.8), dbSNP rs1805601935, ClinGen allele CA370684760.